The following is an entry in ClinVar:

ClinVar aggregate classification (germline): Uncertain significance (1 of 4 stars; one submission).

Conditions:
Tuberous sclerosis 2 (TSC2). Identifiers: Orphanet 805, MedGen C1860707, MONDO:0013199, OMIM 613254.

Submission:

Labcorp Genetics (formerly Invitae), Labcorp
Classification: Uncertain significance for Tuberous sclerosis 2. Last evaluated: 2022-02-01. Review status: criteria provided, single submitter. Criteria: Invitae Variant Classification Sherloc (09022015). Collection method: clinical testing. Allele origin: germline.
Comment: In summary, the available evidence is currently insufficient to determine the role of this variant in disease. Therefore, it has been classified as a Variant of Uncertain Significance. This variant has not been reported in the literature in individuals affected with TSC2-related conditions. This variant is not present in population databases (gnomAD no frequency). This variant, c.5340_5354dup, results in the insertion of 5 amino acid(s) of the TSC2 protein (p.Ala1782_Pro1786dup), but otherwise preserves the integrity of the reading frame.

NM_000548.5(TSC2):c.5340_5354dup (p.Pro1786_Gly1787insAlaGluProThrPro)

Gene: TSC2 (TSC complex subunit 2; plus strand). Cytogenetic location: 16p13.3.
Variant type: Duplication.
Coding change: c.5340_5354dup on transcript NM_000548.5 (MANE Select); coding-DNA positions 5340 to 5354, 15 bases duplicated (TCCAGCCGAGCCCAC).
Protein change: p.Pro1786_Gly1787insAlaGluProThrPro.
Molecular consequence: inframe insertion. On other transcripts: inframe indel (32).
Genome position (GRCh38, 1-based): chr16:2,088,526-2,088,540, TCCAGCCGAGCCCAC duplicated; duplicating any 15 consecutive bases within chr16:2,088,524-2,088,540 gives the same sequence; the c. name uses the placement nearest the transcript's 3' end. VCF-style (leftmost placement, unchanged base first): chr16-2088523-G-GACTCCAGCCGAGCCC. GRCh37 (hg19) VCF-style: chr16-2138524-G-GACTCCAGCCGAGCCC.
Other names: c.5139_5153dup, p.Pro1719_Gly1720insAlaGluProThrPro (NM_001077183.3); c.5271_5285dup, p.Pro1763_Gly1764insAlaGluProThrPro (NM_001114382.3); c.5031_5045dup, p.Pro1683_Gly1684insAlaGluProThrPro (NM_001318827.2); c.4995_5009dup, p.Pro1671_Gly1672insAlaGluProThrPro (NM_001318829.2); c.4608_4622dup, p.Pro1542_Gly1543insAlaGluProThrPro (NM_001318831.2); c.5172_5186dup, p.Pro1730_Gly1731insAlaGluProThrPro (NM_001318832.2); c.5142_5156dup, p.Pro1720_Gly1721insAlaGluProThrPro (NM_001363528.2); c.5208_5222dup, p.Pro1742_Gly1743insAlaGluProThrPro (NM_001370404.1); and 27 more.
Identifiers: ClinVar variation 2091610 (VCV002091610.4), dbSNP rs2544515708, ClinGen allele CA2580091203.